The following is an entry in ClinVar:

NM_002454.3(MTRR):c.769T>A (p.Ser257Thr)

Gene: MTRR (5-methyltetrahydrofolate-homocysteine methyltransferase reductase; plus strand). Cytogenetic location: 5p15.31.
Variant type: single nucleotide variant.
Coding change: c.769T>A on transcript NM_002454.3 (MANE Select); coding-DNA position 769, T replaced by A.
Protein change: p.Ser257Thr; replaces serine 257 with threonine.
Molecular consequence: missense variant. On other transcripts: non-coding transcript variant (14).
Genome position (GRCh38, 1-based): chr5:7,878,311, T>A. VCF-style: chr5-7878311-T-A. GRCh37 (hg19) VCF-style: chr5-7878424-T-A.
Other names: p.S284T:TCT>ACT; p.Ser257Thr; c.769T>A, p.Ser257Thr (NM_001364440.2, NM_001364441.2, NM_001364442.2 and 1 more transcripts); short protein forms S257T.
Identifiers: ClinVar variation 138306 (VCV000138306.17), dbSNP rs2303080, ClinGen allele CA292247.

ClinVar aggregate classification (germline): Benign. Review status: criteria provided, multiple submitters, no conflicts (2 of 4 stars). 6 submissions from 6 submitters: Benign (5). 1 of the submissions does not count toward it. Last evaluated 2026-02-04.

Conditions:
Disorders of Intracellular Cobalamin Metabolism. Identifiers: MedGen CN043592.
Methylcobalamin deficiency type cblE (HMAE). Also called: HOMOCYSTINURIA-MEGALOBLASTIC ANEMIA, cblE COMPLEMENTATION TYPE; HOMOCYSTINURIA-MEGALOBLASTIC ANEMIA, cblE TYPE; VITAMIN B12-RESPONSIVE HOMOCYSTINURIA, cblE TYPE. Identifiers: Orphanet 2169, Orphanet 622, MedGen C1856057, MONDO:0009354, OMIM 236270.

Allele frequency attached by ClinVar (database versions not stated): ESP Exome Variant Server 0.02168; TOPMed 0.02887; gnomAD 0.03048 and 0.03115; gnomAD exomes 0.03365 and 0.04322; 1000 Genomes Project 30x 0.03795; 1000 Genomes Project 0.03914; ExAC 0.04066.
gnomAD v4.1: 53,775 of 1,613,958 alleles (3.3%); highest among the groups gnomAD compares: East Asian, 11%; 1,260 homozygotes.

Submissions (6):

Labcorp Genetics (formerly Invitae), Labcorp
Classification: Benign for Methylcobalamin deficiency type cblE. Last evaluated: 2026-02-04. Review status: criteria provided, single submitter. Criteria: Invitae Variant Classification Sherloc (09022015). Collection method: clinical testing. Allele origin: germline.

Mayo Clinic Laboratories, Mayo Clinic
Classification: Benign. Last evaluated: 2021-04-07. Review status: criteria provided, single submitter. Criteria: ACMG Guidelines, 2015. Collection method: clinical testing. Allele origin: germline. Observed: 4 variant alleles.

Illumina Laboratory Services, Illumina
Classification: Benign for Disorders of Intracellular Cobalamin Metabolism. Last evaluated: 2018-01-13. Review status: criteria provided, single submitter. Criteria: ICSL Variant Classification Criteria 13 December 2019. Collection method: clinical testing. Allele origin: germline.
Comment: This variant was observed in the ICSL laboratory as part of a predisposition screen in an ostensibly healthy population. It had not been previously curated by ICSL or reported in the Human Gene Mutation Database (HGMD: prior to June 1st, 2018), and was therefore a candidate for classification through an automated scoring system. Utilizing variant allele frequency, disease prevalence and penetrance estimates, and inheritance mode, an automated score was calculated to assess if this variant is too frequent to cause the disease. Based on the score and internal cut-off values, a variant classified as benign is not then subjected to further curation. The score for this variant resulted in a classification of benign for this disease.

GeneDx
Classification: Benign. Last evaluated: 2014-03-12. Review status: criteria provided, single submitter. Criteria: GeneDx Variant Classification (06012015). Collection method: clinical testing. Allele origin: germline. Affected: yes.
Comment: This variant is considered likely benign or benign based on one or more of the following criteria: it is a conservative change, it occurs at a poorly conserved position in the protein, it is predicted to be benign by multiple in silico algorithms, and/or has population frequency not consistent with disease.

Breakthrough Genomics
Classification: Benign. Review status: criteria provided, single submitter. Criteria: ACMG Guidelines, 2015. Collection method: not provided. Allele origin: germline. Inheritance: Autosomal recessive inheritance. Affected: yes.

Natera, Inc.
Classification: Benign for CblE complementation type homocystinuria-megaloblastic anemia due to defect in cobalamin metabolism. Last evaluated: 2020-09-16. Review status: no assertion criteria provided. Collection method: clinical testing. Allele origin: germline. Not counted in ClinVar's aggregate classification.